The following is an entry in ClinVar:

ClinVar aggregate classification (germline): Uncertain significance (1 of 4 stars; one submission).

Conditions:
Fibrous dysplasia of jaw (CRBM). Also called: Cherubism. Identifiers: Orphanet 184, MedGen C0008029, MONDO:0007315, OMIM 118400.

Submission:

Labcorp Genetics (formerly Invitae), Labcorp
Classification: Uncertain significance for Fibrous dysplasia of jaw. Last evaluated: 2025-03-20. Review status: criteria provided, single submitter. Criteria: Invitae Variant Classification Sherloc (09022015). Collection method: clinical testing. Allele origin: germline.
Comment: This sequence change replaces arginine, which is basic and polar, with leucine, which is neutral and non-polar, at codon 118 of the SH3BP2 protein (p.Arg118Leu). This variant is present in population databases (rs772096716, gnomAD 0.0009%). This variant has not been reported in the literature in individuals affected with SH3BP2-related conditions. Invitae Evidence Modeling of protein sequence and biophysical properties (such as structural, functional, and spatial information, amino acid conservation, physicochemical variation, residue mobility, and thermodynamic stability) indicates that this missense variant is not expected to disrupt SH3BP2 protein function with a negative predictive value of 95%. In summary, the available evidence is currently insufficient to determine the role of this variant in disease. Therefore, it has been classified as a Variant of Uncertain Significance.

NM_001122681.2(SH3BP2):c.353G>T (p.Arg118Leu)

Gene: SH3BP2 (SH3 domain binding protein 2; plus strand). Cytogenetic location: 4p16.3.
Variant type: single nucleotide variant.
Coding change: c.353G>T on transcript NM_001122681.2 (MANE Select); coding-DNA position 353, G replaced by T.
Protein change: p.Arg118Leu; replaces arginine 118 with leucine.
Molecular consequence: missense variant.
Genome position (GRCh38, 1-based): chr4:2,824,726, G>T. VCF-style: chr4-2824726-G-T. GRCh37 (hg19) VCF-style: chr4-2826453-G-T.
Other names: c.437G>T, p.Arg146Leu (NM_001145855.2); c.524G>T, p.Arg175Leu (NM_001145856.2); c.353G>T, p.Arg118Leu (NM_003023.4); short protein forms R146L, R175L, R118L.
Identifiers: ClinVar variation 4718720 (VCV004718720.1).